The following is an entry in ClinVar:

NM_020822.3(KCNT1):c.1198C>G (p.Gln400Glu)

Gene: KCNT1 (potassium sodium-activated channel subfamily T member 1; plus strand). Cytogenetic location: 9q34.3.
Variant type: single nucleotide variant.
Coding change: c.1198C>G on transcript NM_020822.3 (MANE Select); coding-DNA position 1198, C replaced by G.
Protein change: p.Gln400Glu; replaces glutamine 400 with glutamic acid.
Molecular consequence: missense variant.
Genome position (GRCh38, 1-based): chr9:135,765,193, C>G. VCF-style: chr9-135765193-C-G. GRCh37 (hg19) VCF-style: chr9-138657039-C-G.
Other names: c.1063C>G, p.Gln355Glu (NM_001272003.2); short protein forms Q355E, Q400E.
Identifiers: ClinVar variation 2579079 (VCV002579079.25), dbSNP rs2490902606, ClinGen allele CA375500768.
Genomic context (GRCh38, chr9:135,765,193, plus strand): 5'-TCCCTCAAGATCGACCTTCTCATGGACTTCCTGAACGAGTTCTACGCCCACCCCCGGCTC[C>G]AGGTGAGGCCCCTTACCGTGGCCCAGCAGACGACTCCCTCCCGGCCCCTAGAGACGCCAT-3'
Protein context (NP_065873.2, residues 390-410): LNEFYAHPRL[Gln400Glu]DYYVVILCPT

ClinVar aggregate classification (germline): Uncertain significance (1 of 4 stars; one submission).

Submission:

CeGaT Center for Human Genetics Tuebingen
Classification: Uncertain significance. Last evaluated: 2023-10-01. Review status: criteria provided, single submitter. Criteria: CeGaT Center For Human Genetics Tuebingen Variant Classification Criteria Version 2. Collection method: clinical testing. Allele origin: germline. Affected: yes. Observed: 1 variant allele.
Comment: KCNT1: PM2